The following is an entry in ClinVar:

ClinVar aggregate classification (germline): Uncertain significance (1 of 4 stars; one submission).

Submission:

GeneDx
Classification: Uncertain significance. Last evaluated: 2019-05-21. Review status: criteria provided, single submitter. Criteria: GeneDx Variant Classification Process June 2021. Collection method: clinical testing. Allele origin: germline. Affected: yes.
Comment: Not observed in large population cohorts (Lek et al., 2016); In silico analysis, which includes protein predictors and evolutionary conservation, supports a deleterious effect; Has not been previously published as pathogenic or benign to our knowledge

NM_001940.4(ATN1):c.2264_2270delinsTTGTACA (p.Asp755_Pro757delinsValValHis)

Genes: ATN1 (atrophin 1; plus strand), LOC130007290 (ATAC-STARR-seq lymphoblastoid silent region 4195; plus strand). Cytogenetic location: 12p13.31.
Variant type: Indel.
Coding change: c.2264_2270delinsTTGTACA on transcript NM_001940.4 (MANE Select); coding-DNA positions 2264 to 2270, ATGTACC replaced by TTGTACA.
Protein change: p.Asp755_Pro757delinsValValHis.
Molecular consequence: missense variant.
Genome position (GRCh38, 1-based): chr12:6,937,531-6,937,537, ATGTACC replaced by TTGTACA. VCF-style: chr12-6937531-ATGTACC-TTGTACA. GRCh37 (hg19) VCF-style: chr12-7046694-ATGTACC-TTGTACA.
Other names: c.2264_2270delinsTTGTACA, p.Asp755_Pro757delinsValValHis (NM_001007026.2).
Identifiers: ClinVar variation 1306081 (VCV001306081.2), dbSNP rs2138216339, ClinGen allele CA2573053756.